The following is an entry in ClinVar:

NM_001793.6(CDH3):c.558C>T (p.His186=)

Gene: CDH3 (cadherin 3; plus strand). Cytogenetic location: 16q22.1.
Variant type: single nucleotide variant.
Coding change: c.558C>T on transcript NM_001793.6 (MANE Select); coding-DNA position 558, C replaced by T.
Protein change: p.His186=; no amino-acid change (histidine 186 retained).
Molecular consequence: synonymous variant.
Genome position (GRCh38, 1-based): chr16:68,678,773, C>T. VCF-style: chr16-68678773-C-T. GRCh37 (hg19) VCF-style: chr16-68712676-C-T.
Other names: c.558C>T, p.His186= (NM_001317195.3); c.393C>T, p.His131= (NM_001317196.2).
Identifiers: ClinVar variation 761020 (VCV000761020.10), dbSNP rs775627086, ClinGen allele CA8129071.

ClinVar aggregate classification (germline): Likely benign. Review status: criteria provided, single submitter (1 of 4 stars). 2 submissions from 2 submitters: Likely benign (1). 1 of the submissions does not count toward it. Last evaluated 2025-11-15.

Conditions:
CDH3-related disorder. Also called: CDH3-related condition.

Allele frequency attached by ClinVar (database versions not stated): TOPMed 0.00004; gnomAD 0.00005.
gnomAD v4.1: 21 of 1,614,040 alleles (0.0013%); highest among the groups gnomAD compares: Middle Eastern, 0.016%; no homozygotes.

Submissions (2):

Labcorp Genetics (formerly Invitae), Labcorp
Classification: Likely benign. Last evaluated: 2025-11-15. Review status: criteria provided, single submitter. Criteria: Invitae Variant Classification Sherloc (09022015). Collection method: clinical testing. Allele origin: germline.

PreventionGenetics, part of Exact Sciences
Classification: Likely benign for CDH3-related condition. Last evaluated: 2023-07-18. Review status: no assertion criteria provided. Collection method: clinical testing. Allele origin: germline. Not counted in ClinVar's aggregate classification.
Comment: This variant is classified as likely benign based on ACMG/AMP sequence variant interpretation guidelines (Richards et al. 2015 PMID: 25741868, with internal and published modifications).